The following is an entry in ClinVar:

NM_002691.4(POLD1):c.3304C>T (p.Pro1102Ser)

Gene: POLD1 (DNA polymerase delta 1, catalytic subunit; plus strand). Cytogenetic location: 19q13.33.
Variant type: single nucleotide variant.
Coding change: c.3304C>T on transcript NM_002691.4 (MANE Select); coding-DNA position 3304, C replaced by T.
Protein change: p.Pro1102Ser; replaces proline 1102 with serine.
Molecular consequence: missense variant. On other transcripts: non-coding transcript variant (1).
Genome position (GRCh38, 1-based): chr19:50,417,927, C>T. VCF-style: chr19-50417927-C-T. GRCh37 (hg19) VCF-style: chr19-50921184-C-T.
Other names: c.3304C>T, p.Pro1102Ser (NM_001256849.1); c.3382C>T, p.Pro1128Ser (NM_001308632.1); c.3304C>T (NM_002691.2); short protein forms P1102S, P1128S.
Identifiers: ClinVar variation 1981775 (VCV001981775.7), dbSNP rs757442072, ClinGen allele CA9596845.

ClinVar aggregate classification (germline): Conflicting classifications of pathogenicity. Review status: criteria provided, conflicting classifications (1 of 4 stars). 3 submissions from 3 submitters: Uncertain significance (2); Likely benign (1). Last evaluated 2025-07-08.

Conditions:
POLD1-related polyposis and colorectal cancer syndrome (CRCS10). Also called: Colorectal cancer 10; COLORECTAL CANCER, SUSCEPTIBILITY TO, ON CHROMOSOME 19q; Colorectal cancer, susceptibility to, 10. Identifiers: Orphanet 220460, MedGen C2675481, MONDO:0012953, OMIM 612591.
Hereditary cancer-predisposing syndrome. Also called: Tumor predisposition; Hereditary Cancer Syndrome; Hereditary neoplastic syndrome; Neoplastic Syndromes, Hereditary. Identifiers: Orphanet 140162, MedGen C0027672, MeSH D009386, MONDO:0015356.
Mandibular hypoplasia-deafness-progeroid syndrome. Also called: Mandibular hypoplasia, deafness, progeroid features, and lipodystrophy syndrome. Identifiers: Orphanet 363649, MedGen C3715192, MONDO:0014157, OMIM 615381.
Immunodeficiency 120. Identifiers: MedGen C5935622, MONDO:0970994, OMIM 620836.

Allele frequency attached by ClinVar (database versions not stated): gnomAD exomes below 0.00001; ExAC 0.00001.
gnomAD v4.1: 6 of 1,609,758 alleles (0.00037%); highest among the groups gnomAD compares: Admixed American, 0.005%; no homozygotes.

Submissions (3):

Labcorp Genetics (formerly Invitae), Labcorp
Classification: Uncertain significance for POLD1-related polyposis and colorectal cancer syndrome. Last evaluated: 2025-07-08. Review status: criteria provided, single submitter. Criteria: Invitae Variant Classification Sherloc (09022015). Collection method: clinical testing. Allele origin: germline.
Comment: This sequence change replaces proline, which is neutral and non-polar, with serine, which is neutral and polar, at codon 1102 of the POLD1 protein (p.Pro1102Ser). The frequency data for this variant in the population databases is considered unreliable, as metrics indicate poor data quality at this position in the gnomAD database. This variant has not been reported in the literature in individuals affected with POLD1-related conditions. ClinVar contains an entry for this variant (Variation ID: 1981775). An algorithm developed to predict the effect of missense changes on protein structure and function (PolyPhen-2) suggests that this variant is likely to be disruptive. In summary, the available evidence is currently insufficient to determine the role of this variant in disease. Therefore, it has been classified as a Variant of Uncertain Significance.

Ambry Genetics
Classification: Likely benign for Hereditary cancer-predisposing syndrome. Last evaluated: 2025-03-19. Review status: criteria provided, single submitter. Criteria: Ambry Variant Classification Scheme 2023. Collection method: clinical testing. Allele origin: germline.

Fulgent Genetics
Classification: Uncertain significance for POLD1-related polyposis and colorectal cancer syndrome; Mandibular hypoplasia-deafness-progeroid syndrome; Immunodeficiency 120. Last evaluated: 2024-04-17. Review status: criteria provided, single submitter. Criteria: ACMG Guidelines, 2015. Collection method: clinical testing. Allele origin: germline.